The following is an entry in ClinVar:

NM_024915.4(GRHL2):c.1490A>G (p.Tyr497Cys)

Gene: GRHL2 (grainyhead like transcription factor 2; plus strand). Cytogenetic location: 8q22.3.
Variant type: single nucleotide variant.
Coding change: c.1490A>G on transcript NM_024915.4 (MANE Select); coding-DNA position 1490, A replaced by G.
Protein change: p.Tyr497Cys; replaces tyrosine 497 with cysteine.
Molecular consequence: missense variant.
Genome position (GRCh38, 1-based): chr8:101,636,901, A>G. VCF-style: chr8-101636901-A-G. GRCh37 (hg19) VCF-style: chr8-102649129-A-G.
Other names: c.1442A>G, p.Tyr481Cys (NM_001330593.2); short protein forms Y481C, Y497C.
Identifiers: ClinVar variation 3610936 (VCV003610936.2).

ClinVar aggregate classification (germline): Uncertain significance (1 of 4 stars; one submission).

Submission:

Labcorp Genetics (formerly Invitae), Labcorp
Classification: Uncertain significance. Last evaluated: 2024-10-08. Review status: criteria provided, single submitter. Criteria: Invitae Variant Classification Sherloc (09022015). Collection method: clinical testing. Allele origin: germline.
Comment: This sequence change replaces tyrosine, which is neutral and polar, with cysteine, which is neutral and slightly polar, at codon 497 of the GRHL2 protein (p.Tyr497Cys). This variant is not present in population databases (gnomAD no frequency). This variant has not been reported in the literature in individuals affected with GRHL2-related conditions. Invitae Evidence Modeling of protein sequence and biophysical properties (such as structural, functional, and spatial information, amino acid conservation, physicochemical variation, residue mobility, and thermodynamic stability) indicates that this missense variant is not expected to disrupt GRHL2 protein function with a negative predictive value of 80%. In summary, the available evidence is currently insufficient to determine the role of this variant in disease. Therefore, it has been classified as a Variant of Uncertain Significance.